The following is an entry in ClinVar:

NM_001244008.2(KIF1A):c.5059G>A (p.Glu1687Lys)

Gene: KIF1A (kinesin family member 1A; minus strand). Cytogenetic location: 2q37.3.
Variant type: single nucleotide variant.
Coding change: c.5059G>A on transcript NM_001244008.2 (MANE Select); coding-DNA position 5059, G replaced by A.
Protein change: p.Glu1687Lys; replaces glutamic acid 1687 with lysine.
Molecular consequence: missense variant.
Genome position (GRCh38, 1-based): chr2:240,719,161, C>T on the plus strand (G>A on the coding strand, the complement: KIF1A is on the minus strand). VCF-style: chr2-240719161-C-T. GRCh37 (hg19) VCF-style: chr2-241658578-C-T.
Other names: c.4783G>A, p.Glu1595Lys (NM_001320705.2, NM_001379649.1); c.4810G>A, p.Glu1604Lys (NM_001330289.2); c.4858G>A, p.Glu1620Lys (NM_001330290.2, NM_001379648.1); c.5134G>A, p.Glu1712Lys (NM_001379631.1); c.5035G>A, p.Glu1679Lys (NM_001379632.1); c.5032G>A, p.Glu1678Lys (NM_001379633.1, NM_001379645.1); c.4885G>A, p.Glu1629Lys (NM_001379634.1); c.4882G>A, p.Glu1628Lys (NM_001379635.1, NM_001379646.1); and 7 more; short protein forms E1585K, E1595K, E1679K, E1712K, E1594K, E1603K, E1611K, E1620K.
Identifiers: ClinVar variation 2146740 (VCV002146740.4), dbSNP rs2536595336, ClinGen allele CA351298816.
Genomic context (GRCh38, chr2:240,719,161, plus strand): 5'-TGTAGGCATAGGGGCGCCGCACCACCACGAAGCGCCTGGCCCAGCCTGACGTGTGCGGCT[C>T]CAGGAAGTGCAGGTACCCCTTCTTGGAAACGATCGGGCTGAAGGCAGAGAGAGCTGCTCG-3'
Protein context (NP_001230937.1, residues 1677-1697): VSKKGYLHFL[Glu1687Lys]PHTSGWARRF

ClinVar aggregate classification (germline): Uncertain significance (1 of 4 stars; one submission).

Conditions:
Neuropathy, hereditary sensory, type 2C. Also called: Hereditary sensory and autonomic neuropathy type IIC; KIF1A-Related HSAN2 (HSAN2C). Identifiers: Orphanet 970, MedGen C3280168, MONDO:0013634, OMIM 614213.
Intellectual disability, autosomal dominant 9 (NESCAVS). Also called: NESCAV SYNDROME; KIF1A-Related Neurodevelopmental Disorder. Identifiers: Orphanet 662367, MedGen C5393830, MONDO:0013656, OMIM 614255.
Hereditary spastic paraplegia 30. Identifiers: Orphanet 101010, MedGen C5235139, MONDO:0012476.

Submission:

Labcorp Genetics (formerly Invitae), Labcorp
Classification: Uncertain significance for Hereditary spastic paraplegia 30; Neuropathy, hereditary sensory, type 2C; Intellectual disability, autosomal dominant 9. Last evaluated: 2022-02-17. Review status: criteria provided, single submitter. Criteria: Invitae Variant Classification Sherloc (09022015). Collection method: clinical testing. Allele origin: germline.
Comment: Advanced modeling of protein sequence and biophysical properties (such as structural, functional, and spatial information, amino acid conservation, physicochemical variation, residue mobility, and thermodynamic stability) performed at Invitae indicates that this missense variant is not expected to disrupt KIF1A protein function. This variant has not been reported in the literature in individuals affected with KIF1A-related conditions. This variant is not present in population databases (gnomAD no frequency). This sequence change replaces glutamic acid, which is acidic and polar, with lysine, which is basic and polar, at codon 1586 of the KIF1A protein (p.Glu1586Lys). In summary, the available evidence is currently insufficient to determine the role of this variant in disease. Therefore, it has been classified as a Variant of Uncertain Significance.